The following is an entry in ClinVar:

ClinVar aggregate classification (germline): Uncertain significance. Review status: criteria provided, multiple submitters, no conflicts (2 of 4 stars). 4 submissions from 4 submitters: Uncertain significance (4). Last evaluated 2025-03-19.

Conditions:
Atrial conduction disease. Identifiers: Orphanet 436242, MedGen CN221670, MONDO:0014500.

Allele frequency attached by ClinVar (database versions not stated): gnomAD 0.00001.
gnomAD v4.1: 2 of 1,613,252 alleles (0.00012%); highest among the groups gnomAD compares: Non-Finnish European, 0.00017%; no homozygotes.

Submissions (4):

GeneDx
Classification: Uncertain significance. Last evaluated: 2025-03-19. Review status: criteria provided, single submitter. Criteria: GeneDx Variant Classification Process June 2021. Collection method: clinical testing. Allele origin: germline.
Comment: Not observed at significant frequency in large population cohorts (gnomAD); In silico analysis supports that this missense variant has a deleterious effect on protein structure/function; This variant is associated with the following publications: (PMID: 38813989)

Genome-Nilou Lab
Classification: Uncertain significance for Cardiac conduction disease with or without dilated cardiomyopathy 1. Last evaluated: 2023-04-11. Review status: criteria provided, single submitter. Criteria: ACMG Guidelines, 2015. Collection method: clinical testing. Allele origin: germline. Affected: no.

Labcorp Genetics (formerly Invitae), Labcorp
Classification: Uncertain significance. Last evaluated: 2022-03-16. Review status: criteria provided, single submitter. Criteria: Invitae Variant Classification Sherloc (09022015). Collection method: clinical testing. Allele origin: germline.
Comment: This sequence change replaces phenylalanine, which is neutral and non-polar, with leucine, which is neutral and non-polar, at codon 665 of the TNNI3K protein (p.Phe665Leu). In summary, the available evidence is currently insufficient to determine the role of this variant in disease. Therefore, it has been classified as a Variant of Uncertain Significance. Algorithms developed to predict the effect of missense changes on protein structure and function are either unavailable or do not agree on the potential impact of this missense change (SIFT: "Deleterious"; PolyPhen-2: "Possibly Damaging"; Align-GVGD: "Class C15"). ClinVar contains an entry for this variant (Variation ID: 930691). This variant has not been reported in the literature in individuals affected with TNNI3K-related conditions. The frequency data for this variant in the population databases is considered unreliable, as metrics indicate poor data quality at this position in the gnomAD database.

Centre for Mendelian Genomics, University Medical Centre Ljubljana
Classification: Uncertain significance. Last evaluated: 2020-02-24. Review status: criteria provided, single submitter. Criteria: ACMG Guidelines, 2015. Collection method: clinical testing. Allele origin: unknown. Affected: yes.
Comment: This variant was classified as: Uncertain significance. The following ACMG criteria were applied in classifying this variant: PM2,PP3.

NM_015978.3(TNNI3K):c.1995C>A (p.Phe665Leu)

Genes: TNNI3K (TNNI3 interacting kinase; plus strand), FPGT-TNNI3K (FPGT-TNNI3K readthrough; plus strand). Cytogenetic location: 1p31.1.
Variant type: single nucleotide variant.
Coding change: c.1995C>A on transcript NM_015978.3 (MANE Select); coding-DNA position 1995, C replaced by A.
Protein change: p.Phe665Leu; replaces phenylalanine 665 with leucine.
Molecular consequence: missense variant.
Genome position (GRCh38, 1-based): chr1:74,439,606, C>A. VCF-style: chr1-74439606-C-A. GRCh37 (hg19) VCF-style: chr1-74905290-C-A.
Other names: c.2298C>A, p.Phe766Leu (NM_001112808.3, NM_001199327.2); short protein forms F665L, F779L, F766L.
Identifiers: ClinVar variation 930691 (VCV000930691.10), dbSNP rs776665374, ClinGen allele CA909529.